The following is an entry in ClinVar:

ClinVar aggregate classification (germline): Uncertain significance. Review status: criteria provided, multiple submitters, no conflicts (2 of 4 stars). 2 submissions from 2 submitters: Uncertain significance (2). Last evaluated 2024-08-23.

Conditions:
BRCA2-related cancer predisposition. Identifiers: MedGen CN377758, MONDO:0700269.
Hereditary cancer-predisposing syndrome. Also called: Tumor predisposition; Hereditary Cancer Syndrome; Neoplastic Syndromes, Hereditary; Hereditary neoplastic syndrome. Identifiers: Orphanet 140162, MedGen C0027672, MeSH D009386, MONDO:0015356.

Submissions (2):

All of Us Research Program, National Institutes of Health
Classification: Uncertain significance for BRCA2-related cancer predisposition. Last evaluated: 2024-08-23. Review status: criteria provided, single submitter. Criteria: ACMG Guidelines, 2015. Collection method: clinical testing. Allele origin: germline. Inheritance: Autosomal dominant inheritance. Observed: 1 variant allele, 1 heterozygote.
Comment: This missense variant replaces isoleucine with methionine at codon 2944 of the BRCA2 protein. Computational prediction suggests that this variant may not impact protein structure and function (internally defined REVEL score threshold <= 0.5, PMID: 27666373). To our knowledge, functional studies have not been reported for this variant. This variant has not been reported in individuals affected with hereditary cancer in the literature. This variant has not been identified in the general population by the Genome Aggregation Database (gnomAD). The available evidence is insufficient to determine the role of this variant in disease conclusively. Therefore, this variant is classified as a Variant of Uncertain Significance.

This study involves interpretation of variants in research participants for the purpose of population health screening. Participant phenotype was not available at the time of variant classification. Additional details can be found in publication PMID: 35346344, PMCID: PMC8962531

Color Diagnostics, LLC DBA Color Health
Classification: Uncertain significance for Hereditary cancer-predisposing syndrome. Last evaluated: 2024-08-08. Review status: criteria provided, single submitter. Criteria: ACMG Guidelines, 2015. Collection method: clinical testing. Allele origin: germline.
Comment: This missense variant replaces isoleucine with methionine at codon 2944 of the BRCA2 protein. Computational prediction suggests that this variant may not impact protein structure and function. To our knowledge, functional studies have not been reported for this variant. This variant has not been reported in individuals affected with hereditary cancer in the literature. This variant has not been identified in the general population by the Genome Aggregation Database (gnomAD). The available evidence is insufficient to determine the role of this variant in disease conclusively. Therefore, this variant is classified as a Variant of Uncertain Significance.

NM_000059.4(BRCA2):c.8832C>G (p.Ile2944Met)

Gene: BRCA2 (BRCA2 DNA repair associated; plus strand). Cytogenetic location: 13q13.1.
Variant type: single nucleotide variant.
Coding change: c.8832C>G on transcript NM_000059.4 (MANE Select); coding-DNA position 8832, C replaced by G.
Protein change: p.Ile2944Met; replaces isoleucine 2944 with methionine.
Molecular consequence: missense variant.
Genome position (GRCh38, 1-based): chr13:32,379,394, C>G. VCF-style: chr13-32379394-C-G. GRCh37 (hg19) VCF-style: chr13-32953531-C-G.
Other names: short protein forms I2944M.
Identifiers: ClinVar variation 1332462 (VCV001332462.4), dbSNP rs1593936668, ClinGen allele CA387756178.